The following is an entry in ClinVar:

NM_002968.3(SALL1):c.1959C>T (p.Gly653=)

Gene: SALL1 (spalt like transcription factor 1; minus strand). Cytogenetic location: 16q12.1.
Variant type: single nucleotide variant.
Coding change: c.1959C>T on transcript NM_002968.3 (MANE Select); coding-DNA position 1959, C replaced by T.
Protein change: p.Gly653=; no amino-acid change (glycine 653 retained).
Molecular consequence: synonymous variant.
Genome position (GRCh38, 1-based): chr16:51,140,263, G>A on the plus strand (C>T on the coding strand, the complement: SALL1 is on the minus strand). VCF-style: chr16-51140263-G-A. GRCh37 (hg19) VCF-style: chr16-51174174-G-A.
Other names: c.1668C>T, p.Gly556= (NM_001127892.2).
Identifiers: ClinVar variation 4823623 (VCV004823623.4).

ClinVar aggregate classification (germline): Likely benign (1 of 4 stars; one submission).

gnomAD v4.1: 1 of 1,614,178 alleles (0.000062%); highest among the groups gnomAD compares: Non-Finnish European, 0.000085%; no homozygotes.

Submission:

CeGaT Center for Human Genetics Tuebingen
Classification: Likely benign. Last evaluated: 2026-03-01. Review status: criteria provided, single submitter. Criteria: CeGaT Center For Human Genetics Tuebingen Variant Classification Criteria Version 2. Collection method: clinical testing. Allele origin: germline. Affected: yes. Observed: 1 variant allele.
Comment: SALL1: BP4, BP7